The following is an entry in ClinVar:

ClinVar aggregate classification (germline): Uncertain significance. Review status: criteria provided, multiple submitters, no conflicts (2 of 4 stars). 2 submissions from 2 submitters: Uncertain significance (2). Last evaluated 2023-10-03.

Conditions:
Malignant hyperthermia, susceptibility to, 1 (MHS1). Also called: RYR1-Related Malignant Hyperthermia Susceptibility; Anesthesia related hyperthermia; Malignant hyperpyrexia; Fulminating hyperpyrexia; Pharmacogenic myopathy; Malignant hyperthermia suceptibility 1. Identifiers: Orphanet 423, MedGen C2930980, MONDO:0007783, OMIM 145600.
RYR1-related disorder. Also called: RYR1-related disorders; RYR1-related condition. Identifiers: MedGen CN239331.

Allele frequency attached by ClinVar (database versions not stated): gnomAD exomes below 0.00001.
gnomAD v4.1: 3 of 1,614,118 alleles (0.00019%); highest among the groups gnomAD compares: Non-Finnish European, 0.00025%; no homozygotes.

Submissions (2):

Labcorp Genetics (formerly Invitae), Labcorp
Classification: Uncertain significance for RYR1-related disorder. Last evaluated: 2023-10-03. Review status: criteria provided, single submitter. Criteria: Invitae Variant Classification Sherloc (09022015). Collection method: clinical testing. Allele origin: germline.
Comment: This sequence change replaces aspartic acid, which is acidic and polar, with asparagine, which is neutral and polar, at codon 897 of the RYR1 protein (p.Asp897Asn). This variant is present in population databases (no rsID available, gnomAD 0.0009%). This variant has not been reported in the literature in individuals affected with RYR1-related conditions. ClinVar contains an entry for this variant (Variation ID: 1000940). Advanced modeling of protein sequence and biophysical properties (such as structural, functional, and spatial information, amino acid conservation, physicochemical variation, residue mobility, and thermodynamic stability) has been performed at Invitae for this missense variant, however the output from this modeling did not meet the statistical confidence thresholds required to predict the impact of this variant on RYR1 protein function. In summary, the available evidence is currently insufficient to determine the role of this variant in disease. Therefore, it has been classified as a Variant of Uncertain Significance.

All of Us Research Program, National Institutes of Health
Classification: Uncertain significance for Malignant hyperthermia, susceptibility to, 1. Last evaluated: 2023-08-28. Review status: criteria provided, single submitter. Criteria: ACMG Guidelines, 2015. Collection method: clinical testing. Allele origin: germline. Inheritance: Autosomal dominant inheritance. Observed: 2 variant alleles, 2 heterozygotes.
Comment: This missense variant replaces aspartic acid with asparagine at codon 897 of the RYR1 protein. Computational prediction suggests that this variant may have deleterious impact on protein structure and function (internally defined REVEL score threshold >= 0.7, PMID: 27666373). To our knowledge, functional studies have not been reported for this variant. This variant has not been reported in individuals affected with RYR1-related disorders in the literature. This variant has been identified in 1/251486 chromosomes in the general population by the Genome Aggregation Database (gnomAD). The available evidence is insufficient to determine the role of this variant in disease conclusively. Therefore, this variant is classified as a Variant of Uncertain Significance.

This study involves interpretation of variants in research participants for the purpose of population health screening. Participant phenotype was not available at the time of variant classification. Additional details can be found in publication PMID: 35346344, PMCID: PMC8962531

NM_000540.3(RYR1):c.2689G>A (p.Asp897Asn)

Gene: RYR1 (ryanodine receptor 1; plus strand). Cytogenetic location: 19q13.2.
Variant type: single nucleotide variant.
Coding change: c.2689G>A on transcript NM_000540.3 (MANE Select); coding-DNA position 2689, G replaced by A.
Protein change: p.Asp897Asn; replaces aspartic acid 897 with asparagine.
Molecular consequence: missense variant.
Genome position (GRCh38, 1-based): chr19:38,463,753, G>A. VCF-style: chr19-38463753-G-A. GRCh37 (hg19) VCF-style: chr19-38954393-G-A.
Other names: c.2689G>A, p.Asp897Asn (NM_001042723.2); short protein forms D897N.
Identifiers: ClinVar variation 1000940 (VCV001000940.9), dbSNP rs1201573826, ClinGen allele CA405632202.